The following is an entry in ClinVar:

ClinVar aggregate classification (germline): Uncertain significance. Review status: criteria provided, multiple submitters, no conflicts (2 of 4 stars). 4 submissions from 4 submitters: Uncertain significance (3). 1 of the submissions does not count toward it. Last evaluated 2024-07-16.

Conditions:
Carnitine palmitoyl transferase 1A deficiency. Also called: Carnitine palmitoyltransferase type I deficiency; CPT I DEFICIENCY; CPT DEFICIENCY, HEPATIC, TYPE I; CPT deficiency, hepatic, type IA; Carnitine palmitoyltransferase 1A deficiency. Identifiers: Orphanet 156, MedGen C1829703, MONDO:0009705, OMIM 255120.

Allele frequency attached by ClinVar (database versions not stated): ExAC 0.00001; gnomAD 0.00001; gnomAD exomes 0.00001 and 0.00002; TOPMed 0.00002.
gnomAD v4.1: 7 of 1,614,094 alleles (0.00043%); highest among the groups gnomAD compares: Admixed American, 0.012%; no homozygotes.

Submissions (4):

GeneDx
Classification: Uncertain significance. Last evaluated: 2024-07-16. Review status: criteria provided, single submitter. Criteria: GeneDx Variant Classification Process June 2021. Collection method: clinical testing. Allele origin: germline. Affected: yes.
Comment: In silico analysis indicates that this missense variant does not alter protein structure/function; Has not been previously published as pathogenic or benign to our knowledge

Labcorp Genetics (formerly Invitae), Labcorp
Classification: Uncertain significance for Carnitine palmitoyl transferase 1A deficiency. Last evaluated: 2022-07-13. Review status: criteria provided, single submitter. Criteria: Invitae Variant Classification Sherloc (09022015). Collection method: clinical testing. Allele origin: germline.
Comment: This sequence change replaces isoleucine, which is neutral and non-polar, with valine, which is neutral and non-polar, at codon 83 of the CPT1A protein (p.Ile83Val). This variant is present in population databases (rs748174436, gnomAD 0.02%). This variant has not been reported in the literature in individuals affected with CPT1A-related conditions. ClinVar contains an entry for this variant (Variation ID: 990123). Algorithms developed to predict the effect of missense changes on protein structure and function (SIFT, PolyPhen-2, Align-GVGD) all suggest that this variant is likely to be tolerated. Algorithms developed to predict the effect of sequence changes on RNA splicing suggest that this variant may create or strengthen a splice site. In summary, the available evidence is currently insufficient to determine the role of this variant in disease. Therefore, it has been classified as a Variant of Uncertain Significance.

Breakthrough Genomics
Classification: Uncertain significance. Review status: criteria provided, single submitter. Criteria: ACMG Guidelines, 2015. Collection method: not provided. Allele origin: germline. Inheritance: Autosomal recessive inheritance. Affected: yes.

Natera, Inc.
Classification: Uncertain significance for Carnitine palmitoyltransferase type I deficiency. Last evaluated: 2020-04-16. Review status: no assertion criteria provided. Collection method: clinical testing. Allele origin: germline. Not counted in ClinVar's aggregate classification.

NM_001876.4(CPT1A):c.247A>G (p.Ile83Val)

Gene: CPT1A (carnitine palmitoyltransferase 1A; minus strand). Cytogenetic location: 11q13.3.
Variant type: single nucleotide variant.
Coding change: c.247A>G on transcript NM_001876.4 (MANE Select); coding-DNA position 247, A replaced by G.
Protein change: p.Ile83Val; replaces isoleucine 83 with valine.
Molecular consequence: missense variant.
Genome position (GRCh38, 1-based): chr11:68,812,471, T>C on the plus strand (A>G on the coding strand, the complement: CPT1A is on the minus strand). VCF-style: chr11-68812471-T-C. GRCh37 (hg19) VCF-style: chr11-68579939-T-C.
Other names: c.247A>G (NM_001876.3); c.247A>G, p.Ile83Val (NM_001031847.3); short protein forms I83V.
Identifiers: ClinVar variation 990123 (VCV000990123.4), dbSNP rs748174436, ClinGen allele CA6152739.